The following is an entry in ClinVar:

NM_001042492.3(NF1):c.4707del (p.Phe1569fs)

Gene: NF1 (neurofibromin 1; plus strand). Cytogenetic location: 17q11.2.
Variant type: Deletion.
Coding change: c.4707del on transcript NM_001042492.3 (MANE Select); coding-DNA position 4707, one base deleted (T; older notation c.4707delT).
Protein change: p.Phe1569fs; shifts the reading frame from phenylalanine 1569.
Molecular consequence: frameshift variant.
Genome position (GRCh38, 1-based): chr17:31,261,840, T deleted; the last of 3 consecutive T bases (chr17:31,261,838-31,261,840); deleting any one gives the same sequence. VCF-style (leftmost placement, unchanged base first): chr17-31261837-GT-G. GRCh37 (hg19) VCF-style: chr17-29588855-GT-G.
Other names: c.4644delT, p.Phe1548Leufs (NM_000267.4); c.4644delT (NM_000267.3); short protein forms F1548fs, F1569fs.
Identifiers: ClinVar variation 1742137 (VCV001742137.5), dbSNP rs2508430861, ClinGen allele CA2580093314.

ClinVar aggregate classification (germline): Pathogenic. Review status: criteria provided, multiple submitters, no conflicts (2 of 4 stars). 2 submissions from 2 submitters: Pathogenic (2). Last evaluated 2025-09-14.

Conditions:
Cardiovascular phenotype. Identifiers: MedGen CN230736.
Hereditary cancer-predisposing syndrome. Also called: Neoplastic Syndromes, Hereditary; Tumor predisposition; Hereditary Cancer Syndrome; Hereditary neoplastic syndrome. Identifiers: Orphanet 140162, MedGen C0027672, MeSH D009386, MONDO:0015356.
Neurofibromatosis, type 1 (NF1). Also called: VON RECKLINGHAUSEN DISEASE; NEUROFIBROMATOSIS, TYPE I, SOMATIC; Neurofibromatosis, type I; Peripheral type neurofibromatosis. Identifiers: Orphanet 636, MedGen C0027831, MONDO:0018975, OMIM 162200. Disease mechanism: loss of function.

Submissions (2):

Labcorp Genetics (formerly Invitae), Labcorp
Classification: Pathogenic for Neurofibromatosis, type 1. Last evaluated: 2025-09-14. Review status: criteria provided, single submitter. Criteria: Invitae Variant Classification Sherloc (09022015). Collection method: clinical testing. Allele origin: germline.
Comment: This sequence change creates a premature translational stop signal (p.Phe1548Leufs*5) in the NF1 gene. It is expected to result in an absent or disrupted protein product. Loss-of-function variants in NF1 are known to be pathogenic (PMID: 10712197, 23913538). This variant is not present in population databases (gnomAD no frequency). This premature translational stop signal has been observed in individual(s) with clinical features of neurofibromatosis type 1 (PMID: 31370276). ClinVar contains an entry for this variant (Variation ID: 1742137). Algorithms developed to predict the effect of sequence changes on RNA splicing suggest that this variant may disrupt the consensus splice site. For these reasons, this variant has been classified as Pathogenic.

Ambry Genetics
Classification: Pathogenic for Cardiovascular phenotype; Hereditary cancer-predisposing syndrome. Last evaluated: 2022-01-13. Review status: criteria provided, single submitter. Criteria: Ambry Variant Classification Scheme 2023. Collection method: clinical testing. Allele origin: germline.
Comment: The c.4644delT pathogenic mutation, located in coding exon 34 of the NF1 gene, results from a deletion of one nucleotide at nucleotide position 4644, causing a translational frameshift with a predicted alternate stop codon (p.F1548Lfs*5). This variant was identified within a pediatric cohort of 150 patients presenting with a clinical diagnosis of NF1 (Giugliano T et al. Genes (Basel), 2019 07;10:). This alteration has been observed in at least one individual with a personal and/or family history that is consistent with NF1-related disease (Ambry internal data). This variant is considered to be rare based on population cohorts in the Genome Aggregation Database (gnomAD). In addition to the clinical data presented in the literature, this alteration is expected to result in loss of function by premature protein truncation or nonsense-mediated mRNA decay. As such, this alteration is interpreted as a disease-causing mutation.

Literature cited by the submitters: PubMed 10712197 (cited by Labcorp Genetics (formerly Invitae), Labcorp); PubMed 23913538 (cited by Labcorp Genetics (formerly Invitae), Labcorp); PubMed 31370276 (cited by Labcorp Genetics (formerly Invitae), Labcorp).